The following is an entry in ClinVar:

NM_006767.4(LZTR1):c.1913G>A (p.Arg638His)

Gene: LZTR1 (leucine zipper like post translational regulator 1; plus strand). Cytogenetic location: 22q11.21.
Variant type: single nucleotide variant.
Coding change: c.1913G>A on transcript NM_006767.4 (MANE Select); coding-DNA position 1913, G replaced by A.
Protein change: p.Arg638His; replaces arginine 638 with histidine.
Molecular consequence: missense variant.
Genome position (GRCh38, 1-based): chr22:20,994,997, G>A. VCF-style: chr22-20994997-G-A. GRCh37 (hg19) VCF-style: chr22-21349286-G-A.
Other names: c.1913G>A (NM_006767.3); short protein forms R638H.
Identifiers: ClinVar variation 1487281 (VCV001487281.8), dbSNP rs1924778440, ClinGen allele CA410778714.

ClinVar aggregate classification (germline): Uncertain significance. Review status: criteria provided, multiple submitters, no conflicts (2 of 4 stars). 2 submissions from 2 submitters: Uncertain significance (2). Last evaluated 2026-01-11.

Conditions:
Hereditary cancer-predisposing syndrome. Also called: Hereditary neoplastic syndrome; Neoplastic Syndromes, Hereditary; Hereditary Cancer Syndrome; Tumor predisposition. Identifiers: Orphanet 140162, MedGen C0027672, MeSH D009386, MONDO:0015356.
Cardiovascular phenotype. Identifiers: MedGen CN230736.

Allele frequency attached by ClinVar (database versions not stated): gnomAD 0.00001.

Submissions (2):

Labcorp Genetics (formerly Invitae), Labcorp
Classification: Uncertain significance. Last evaluated: 2026-01-11. Review status: criteria provided, single submitter. Criteria: Invitae Variant Classification Sherloc (09022015). Collection method: clinical testing. Allele origin: germline.
Comment: This sequence change replaces arginine, which is basic and polar, with histidine, which is basic and polar, at codon 638 of the LZTR1 protein (p.Arg638His). This variant is not present in population databases (gnomAD no frequency). This variant has not been reported in the literature in individuals affected with LZTR1-related conditions. ClinVar contains an entry for this variant (Variation ID: 1487281). Invitae Evidence Modeling of protein sequence and biophysical properties (such as structural, functional, and spatial information, amino acid conservation, physicochemical variation, residue mobility, and thermodynamic stability) indicates that this missense variant is not expected to disrupt LZTR1 protein function with a negative predictive value of 80%. In summary, the available evidence is currently insufficient to determine the role of this variant in disease. Therefore, it has been classified as a Variant of Uncertain Significance.

Ambry Genetics
Classification: Uncertain significance for Cardiovascular phenotype; Hereditary cancer-predisposing syndrome. Last evaluated: 2025-03-21. Review status: criteria provided, single submitter. Criteria: Ambry Variant Classification Scheme 2023. Collection method: clinical testing. Allele origin: germline.
Comment: The p.R638H variant (also known as c.1913G>A), located in coding exon 16 of the LZTR1 gene, results from a G to A substitution at nucleotide position 1913. The arginine at codon 638 is replaced by histidine, an amino acid with highly similar properties. This amino acid position is conserved. In addition, this alteration is predicted to be tolerated by in silico analysis. Based on the available evidence, the clinical significance of this variant remains unclear.